The following is an entry in ClinVar:

NM_007294.4(BRCA1):c.1216_1217del (p.Asn406fs)

Gene: BRCA1 (BRCA1 DNA repair associated; minus strand). Cytogenetic location: 17q21.31.
Variant type: Deletion.
Coding change: c.1216_1217del on transcript NM_007294.4 (MANE Select); coding-DNA positions 1216 to 1217, 2 bases deleted (AA; older notation c.1216_1217delAA).
Protein change: p.Asn406fs; shifts the reading frame from asparagine 406.
Molecular consequence: frameshift variant. On other transcripts: intron variant (137).
Genome position (GRCh38, 1-based): chr17:43,094,314-43,094,315, TT deleted on the plus strand (AA on the coding strand, the reverse complement: BRCA1 is on the minus strand); deleting any 2 consecutive bases within chr17:43,094,314-43,094,316 gives the same sequence; the c. name uses the placement nearest the transcript's 3' end. VCF-style (leftmost placement, unchanged base first): chr17-43094313-ATT-A. GRCh37 (hg19) VCF-style: chr17-41246330-ATT-A.
Other names: c.1003_1004del, p.Asn335fs (NM_001407571.1, NM_001407853.1, NM_001407894.1 and 9 more transcripts); c.1216_1217del, p.Asn406fs (NM_001407581.1, NM_001407582.1, NM_001407583.1 and 30 more transcripts); c.1213_1214del, p.Asn405fs (NM_001407587.1, NM_001407590.1, NM_001407591.1 and 22 more transcripts); c.1207_1208del, p.Asn403fs (NM_001407646.1, NM_001407647.1); c.1093_1094del, p.Asn365fs (NM_001407648.1, NM_001407664.1, NM_001407665.1 and 19 more transcripts); c.1090_1091del, p.Asn364fs (NM_001407649.1, NM_001407670.1, NM_001407671.1 and 11 more transcripts); c.1138_1139del, p.Asn380fs (NM_001407653.1, NM_001407654.1, NM_001407655.1 and 4 more transcripts); c.1135_1136del, p.Asn379fs (NM_001407659.1, NM_001407660.1, NM_001407661.1 and 1 more transcripts); and 40 more; short protein forms N359fs, N406fs, N279fs, N317fs, N318fs, N338fs, N110fs, N295fs.
Identifiers: ClinVar variation 2101394 (VCV002101394.4), dbSNP rs397508846, ClinGen allele CA2580093909.
Genomic context (GRCh38, chr17:43,094,313, plus strand): 5'-TGAAGAACCAGAATATTCATCTACCTCATTTAGAACGTCCAATACATCAGCTACTTTGGC[ATT>A]TGATTCAGACTCCCCATCATGTGAGTCATCAGAACCTAACAGTTCATCACTTCTGGAAAA-3'

ClinVar aggregate classification (germline): Pathogenic (1 of 4 stars; one submission).

Conditions:
Hereditary breast ovarian cancer syndrome. Also called: Hereditary breast and ovarian cancer; Hereditary breast and ovarian cancer syndrome; Breast and ovarian cancer; BRCA1- and BRCA2-Associated Hereditary Breast and Ovarian Cancer; Hereditary breast and/or ovarian cancer syndrome; Hereditary breast and ovarian cancer syndrome (HBOC). Identifiers: Orphanet 145, MedGen C0677776, MeSH D061325, MONDO:0003582. Disease mechanism: loss of function.

Submission:

Labcorp Genetics (formerly Invitae), Labcorp
Classification: Pathogenic for Hereditary breast ovarian cancer syndrome. Last evaluated: 2022-02-22. Review status: criteria provided, single submitter. Criteria: Invitae Variant Classification Sherloc (09022015). Collection method: clinical testing. Allele origin: germline.
Comment: For these reasons, this variant has been classified as Pathogenic. This variant has not been reported in the literature in individuals affected with BRCA1-related conditions. This variant is not present in population databases (gnomAD no frequency). This sequence change creates a premature translational stop signal (p.Asn406Cysfs*5) in the BRCA1 gene. It is expected to result in an absent or disrupted protein product. Loss-of-function variants in BRCA1 are known to be pathogenic (PMID: 20104584).

Literature cited by the submitters: PubMed 20104584.